The following is an entry in ClinVar:

NM_004667.6(HERC2):c.13414+3G>A

Gene: HERC2 (HECT and RLD domain containing E3 ubiquitin protein ligase 2; minus strand). Cytogenetic location: 15q13.1.
Variant type: single nucleotide variant.
Coding change: c.13414+3G>A on transcript NM_004667.6 (MANE Select); 3 bases into the intron after coding-DNA position 13414, G replaced by A.
Molecular consequence: intron variant.
Genome position (GRCh38, 1-based): chr15:28,117,010, C>T on the plus strand (G>A on the coding strand, the complement: HERC2 is on the minus strand). VCF-style: chr15-28117010-C-T. GRCh37 (hg19) VCF-style: chr15-28362156-C-T.
Identifiers: ClinVar variation 3054727 (VCV003054727.2), dbSNP rs369621267, ClinGen allele CA7439970.
Genomic context (GRCh38, chr15:28,117,010, plus strand): 5'-CCCTGTGGGCTCAGGCGACCACTGCCGGGGACACAGGTGCTCCAGCACGTGGCAAGTTCT[C>T]ACCCACAAACTTGACTTTCCAGACACGGTGAGGAAGGAGGAGGCTGTCGGGACCAAACGA-3'

ClinVar aggregate classification (germline): Likely benign (0 of 4 stars; one submission).

Conditions:
HERC2-related disorder. Also called: HERC2-related condition.

Allele frequency attached by ClinVar (database versions not stated): ExAC 0.00002; gnomAD exomes 0.00002; TOPMed 0.00002; gnomAD 0.00003; ESP Exome Variant Server 0.00008.
gnomAD v4.1: 18 of 1,613,986 alleles (0.0011%); highest among the groups gnomAD compares: Admixed American, 0.0067%; no homozygotes.

Submission:

PreventionGenetics, part of Exact Sciences
Classification: Likely benign for HERC2-related condition. Last evaluated: 2020-04-24. Review status: no assertion criteria provided. Collection method: clinical testing. Allele origin: germline.
Comment: This variant is classified as likely benign based on ACMG/AMP sequence variant interpretation guidelines (Richards et al. 2015 PMID: 25741868, with internal and published modifications).